The following is an entry in ClinVar:

ClinVar aggregate classification (germline): Pathogenic (1 of 4 stars; one submission).

Conditions:
Autosomal recessive nonsyndromic hearing loss 28. Identifiers: Orphanet 90636, MedGen C1853276, MONDO:0012355, OMIM 609823.

Submission:

Institute of Rare Diseases, West China Hospital, Sichuan University
Classification: Pathogenic for Autosomal recessive nonsyndromic hearing loss 28. Last evaluated: 2025-01-09. Review status: criteria provided, single submitter. Criteria: ClinGen HL ACMG Specifications v1. Collection method: research. Allele origin: germline. Affected: yes.
Comment: PVS1;PM3_Supporting;PM2_Supporting

NM_001039141.3(TRIOBP):c.3100C>T (p.Gln1034Ter)

Gene: TRIOBP (TRIO and F-actin binding protein; plus strand). Cytogenetic location: 22q13.1.
Variant type: single nucleotide variant.
Coding change: c.3100C>T on transcript NM_001039141.3 (MANE Select); coding-DNA position 3100, C replaced by T.
Protein change: p.Gln1034Ter; replaces glutamine 1034 with a stop codon.
Molecular consequence: nonsense.
Genome position (GRCh38, 1-based): chr22:37,725,656, C>T. VCF-style: chr22-37725656-C-T. GRCh37 (hg19) VCF-style: chr22-38121663-C-T.
Other names: short protein forms Q1034*.
Identifiers: ClinVar variation 3601954 (VCV003601954.1).
Genomic context (GRCh38, chr22:37,725,656, plus strand): 5'-TGTGCTGTGTGCATTGGGCACCGGGATGCCCCTCGAGCCTCTTCGCCCCCTCGCTATTTG[C>T]AGCACGACCCCTTCCCCTTCTTCCCAGAGCCCCGCGCCCCTGAGAGTGAACCGCCCCACC-3'